The following is an entry in ClinVar:

ClinVar aggregate classification (germline): Pathogenic (1 of 4 stars; one submission).

Conditions:
Fanconi anemia (FA). Also called: Fanconi's anemia. Identifiers: Orphanet 84, MedGen C0015625, MeSH D005199, MONDO:0019391.

Submission:

Labcorp Genetics (formerly Invitae), Labcorp
Classification: Pathogenic for Fanconi anemia. Last evaluated: 2023-06-27. Review status: criteria provided, single submitter. Criteria: Invitae Variant Classification Sherloc (09022015). Collection method: clinical testing. Allele origin: germline.
Comment: For these reasons, this variant has been classified as Pathogenic. This variant has not been reported in the literature in individuals affected with FANCD2-related conditions. This variant is not present in population databases (gnomAD no frequency). This sequence change creates a premature translational stop signal (p.Gln1355*) in the FANCD2 gene. It is expected to result in an absent or disrupted protein product. Loss-of-function variants in FANCD2 are known to be pathogenic (PMID: 17436244).

Literature cited by the submitters: PubMed 17436244.

NM_001018115.3(FANCD2):c.4063C>T (p.Gln1355Ter)

Genes: FANCD2 (FA complementation group D2; plus strand), FANCD2OS (FANCD2 opposite strand; minus strand). Cytogenetic location: 3p25.3.
Variant type: single nucleotide variant.
Coding change: c.4063C>T on transcript NM_001018115.3 (MANE Select); coding-DNA position 4063, C replaced by T.
Protein change: p.Gln1355Ter; replaces glutamine 1355 with a stop codon.
Molecular consequence: nonsense. On other transcripts: intron variant (1).
Genome position (GRCh38, 1-based): chr3:10,096,350, C>T. VCF-style: chr3-10096350-C-T. GRCh37 (hg19) VCF-style: chr3-10138034-C-T.
Other names: c.4063C>T, p.Gln1355Ter (NM_001319984.2, NM_033084.6); c.3952C>T, p.Gln1318Ter (NM_001374253.1); c.4024C>T, p.Gln1342Ter (NM_001374254.1); c.*43+7848G>A (NM_173472.2); short protein forms Q1342*, Q1318*, Q1355*.
Identifiers: ClinVar variation 2845558 (VCV002845558.3), dbSNP rs2125095244, ClinGen allele CA351757648.